The following is an entry in ClinVar:

ClinVar aggregate classification (germline): Conflicting classifications of pathogenicity. Review status: criteria provided, conflicting classifications (1 of 4 stars). 2 submissions from 2 submitters: Likely pathogenic (1); Uncertain significance (1). Last evaluated 2025-12-19.

Conditions:
Autosomal recessive nonsyndromic hearing loss 6. Also called: NEUROSENSORY NONSYNDROMIC RECESSIVE DEAFNESS 6. Identifiers: Orphanet 90636, MedGen C1832992, MONDO:0010965, OMIM 600971.

gnomAD v4.1: 15 of 1,614,012 alleles (0.00093%); highest among the groups gnomAD compares: South Asian, 0.0044%; no homozygotes.

Submissions (2):

Labcorp Genetics (formerly Invitae), Labcorp
Classification: Uncertain significance. Last evaluated: 2025-12-19. Review status: criteria provided, single submitter. Criteria: Invitae Variant Classification Sherloc (09022015). Collection method: clinical testing. Allele origin: germline.
Comment: This sequence change replaces arginine, which is basic and polar, with histidine, which is basic and polar, at codon 81 of the TMIE protein (p.Arg81His). This variant is present in population databases (rs375322709, gnomAD 0.004%). This missense change has been observed in individuals with autosomal recessive nonsyndromic deafness (PMID: 33269433). It has also been observed to segregate with disease in related individuals. ClinVar contains an entry for this variant (Variation ID: 3624160). An algorithm developed to predict the effect of missense changes on protein structure and function (PolyPhen-2) suggests that this variant is likely to be disruptive. This variant disrupts the p.Arg81 amino acid residue in TMIE. Other variant(s) that disrupt this residue have been observed in individuals with TMIE-related conditions (PMID: 12145746), which suggests that this may be a clinically significant amino acid residue. In summary, the available evidence is currently insufficient to determine the role of this variant in disease. Therefore, it has been classified as a Variant of Uncertain Significance.

Juno Genomics, Hangzhou Juno Genomics, Inc
Classification: Likely pathogenic for Autosomal recessive nonsyndromic hearing loss 6. Review status: criteria provided, single submitter. Criteria: ACMG Guidelines, 2015. Collection method: clinical testing. Allele origin: germline.
Comment: Absent from controls (or at extremely low frequency if recessive) in Genome Aggregation Database.;Multiple lines of computational evidence support a deleterious effect on the gene or gene product.;For recessive disorders, detected in trans with a pathogenic variant.;Co-segregation with disease in multiple affected family members.

Literature cited by the submitters: PubMed 33269433 (cited by Labcorp Genetics (formerly Invitae), Labcorp); PubMed 12145746 (cited by Labcorp Genetics (formerly Invitae), Labcorp).

NM_147196.3(TMIE):c.242G>A (p.Arg81His)

Gene: TMIE (transmembrane inner ear; plus strand). Cytogenetic location: 3p21.31.
Variant type: single nucleotide variant.
Coding change: c.242G>A on transcript NM_147196.3 (MANE Select); coding-DNA position 242, G replaced by A.
Protein change: p.Arg81His; replaces arginine 81 with histidine.
Molecular consequence: missense variant.
Genome position (GRCh38, 1-based): chr3:46,709,156, G>A. VCF-style: chr3-46709156-G-A. GRCh37 (hg19) VCF-style: chr3-46750646-G-A.
Other names: c.83G>A, p.Arg28His (NM_001370524.1, NM_001370525.1); short protein forms R28H, R81H.
Identifiers: ClinVar variation 3624160 (VCV003624160.4).